The following is an entry in ClinVar:

ClinVar aggregate classification (germline): Uncertain significance. Review status: criteria provided, multiple submitters, no conflicts (2 of 4 stars). 4 submissions from 4 submitters: Uncertain significance (4). Last evaluated 2024-09-19.

Conditions:
Immunodeficiency 35 (IMD35). Also called: TYK2 DEFICIENCY; Susceptibility to infection due to TYK2 deficiency; HIES WITH ATYPICAL MYCOBACTERIOSIS, AUTOSOMAL RECESSIVE; HYPER-IgE SYNDROME WITH ATYPICAL MYCOBACTERIOSIS, AUTOSOMAL RECESSIVE. Identifiers: Orphanet 331226, MedGen C1969086, MONDO:0012682, OMIM 611521.

Allele frequency attached by ClinVar (database versions not stated): TOPMed 0.00034; ESP Exome Variant Server 0.00062.
gnomAD v4.1: 715 of 1,612,782 alleles (0.044%); highest among the groups gnomAD compares: Non-Finnish European, 0.055%; no homozygotes.

Submissions (4):

Blueprint Genetics
Classification: Uncertain significance. Last evaluated: 2024-09-19. Review status: criteria provided, single submitter. Criteria: ACMG Guidelines, 2015. Collection method: clinical testing. Allele origin: germline.

Labcorp Genetics (formerly Invitae), Labcorp
Classification: Uncertain significance for Immunodeficiency 35. Last evaluated: 2022-09-06. Review status: criteria provided, single submitter. Criteria: Invitae Variant Classification Sherloc (09022015). Collection method: clinical testing. Allele origin: germline.
Comment: This sequence change replaces proline, which is neutral and non-polar, with threonine, which is neutral and polar, at codon 42 of the TYK2 protein (p.Pro42Thr). This variant is present in population databases (rs147251502, gnomAD 0.04%). This variant has not been reported in the literature in individuals affected with TYK2-related conditions. ClinVar contains an entry for this variant (Variation ID: 452147). Algorithms developed to predict the effect of missense changes on protein structure and function are either unavailable or do not agree on the potential impact of this missense change (SIFT: "Not Available"; PolyPhen-2: "Benign"; Align-GVGD: "Not Available"). In summary, the available evidence is currently insufficient to determine the role of this variant in disease. Therefore, it has been classified as a Variant of Uncertain Significance.

Illumina Laboratory Services, Illumina
Classification: Uncertain significance for Immunodeficiency 35. Last evaluated: 2018-01-13. Review status: criteria provided, single submitter. Criteria: ICSL Variant Classification Criteria 13 December 2019. Collection method: clinical testing. Allele origin: germline.

GeneDx
Classification: Uncertain significance. Last evaluated: 2017-09-18. Review status: criteria provided, single submitter. Criteria: GeneDx Variant Classification (06012015). Collection method: clinical testing. Allele origin: germline. Affected: yes.
Comment: The P42T variant has not been published as a pathogenic variant, nor has it been reported as a benign variant to our knowledge. The P42T variant is not observed at a significant frequency in large population cohorts (Lek et al., 2016; 1000 Genomes Consortium et al., 2015; Exome Variant Server). The P42T variant is a non-conservative amino acid substitution, which is likely to impact secondary protein structure as these residues differ in polarity, charge, size and/or other properties. This substitution occurs at a position that is not conserved. In silico analysis predicts this variant likely does not alter the protein structure/function. In summary, based on the currently available information, it is unclear whether this variant is a pathogenic variant or a rare benign variant.

NM_003331.5(TYK2):c.124C>A (p.Pro42Thr)

Gene: TYK2 (tyrosine kinase 2; minus strand). Cytogenetic location: 19p13.2.
Variant type: single nucleotide variant.
Coding change: c.124C>A on transcript NM_003331.5 (MANE Select); coding-DNA position 124, C replaced by A.
Protein change: p.Pro42Thr; replaces proline 42 with threonine.
Molecular consequence: missense variant.
Genome position (GRCh38, 1-based): chr19:10,378,283, G>T on the plus strand (C>A on the coding strand, the complement: TYK2 is on the minus strand). VCF-style: chr19-10378283-G-T. GRCh37 (hg19) VCF-style: chr19-10488959-G-T.
Other names: c.124C>A (LRG_121t1); short protein forms P42T.
Identifiers: ClinVar variation 452147 (VCV000452147.12), dbSNP rs147251502, ClinGen allele CA9193882.